The following is an entry in ClinVar:

ClinVar aggregate classification (germline): Pathogenic (1 of 4 stars; one submission).

Submission:

Labcorp Genetics (formerly Invitae), Labcorp
Classification: Pathogenic. Last evaluated: 2023-03-20. Review status: criteria provided, single submitter. Criteria: Invitae Variant Classification Sherloc (09022015). Collection method: clinical testing. Allele origin: germline.
Comment: This sequence change creates a premature translational stop signal (p.Phe242Leufs*7) in the DFNB59 gene. While this is not anticipated to result in nonsense mediated decay, it is expected to disrupt the last 111 amino acid(s) of the DFNB59 protein. For these reasons, this variant has been classified as Pathogenic. This variant disrupts a region of the DFNB59 protein in which other variant(s) (p.Val330Leufs*7) have been determined to be pathogenic (PMID: 17718865). This suggests that this is a clinically significant region of the protein, and that variants that disrupt it are likely to be disease-causing. This premature translational stop signal has been observed in individual(s) with deafness (PMID: 17718865). This variant is not present in population databases (gnomAD no frequency).

Literature cited by the submitters: PubMed 17718865.

NM_001042702.5(PJVK):c.723del (p.Phe242fs)

Gene: PJVK (pejvakin; plus strand). Cytogenetic location: 2q31.2.
Variant type: Deletion.
Coding change: c.723del on transcript NM_001042702.5 (MANE Select); coding-DNA position 723, one base deleted (A; older notation c.723delA).
Protein change: p.Phe242fs; shifts the reading frame from phenylalanine 242.
Molecular consequence: frameshift variant. On other transcripts: intron variant (1).
Genome position (GRCh38, 1-based): chr2:178,460,403, A deleted. VCF-style (leftmost placement, unchanged base first): chr2-178460402-CA-C. GRCh37 (hg19) VCF-style: chr2-179325129-CA-C.
Other names: c.732del, p.Phe245fs (NM_001353775.2); c.246del, p.Phe83fs (NM_001353777.1, NM_001353778.2); c.723del, p.Phe242fs (NM_001369912.1); c.773-579del (NM_001353776.2); short protein forms F245fs, F242fs, F83fs.
Identifiers: ClinVar variation 2844584 (VCV002844584.3), dbSNP rs2468730284, ClinGen allele CA2739271683.
Genomic context (GRCh38, chr2:178,460,402, plus strand): 5'-TTGTAGACCTTTGTGTCACTTCAGTGTCAAAAGGAGGATTTGAAAGGGAAGAAACGGCAA[CA>C]TTTGCACTGCTGTACAGGTTGAGAAATATCCTATTTGAAAGAAGTATGTTTATTGAAGAG-3'